The following is an entry in ClinVar:

ClinVar aggregate classification (germline): Conflicting classifications of pathogenicity. Review status: criteria provided, conflicting classifications (1 of 4 stars). 2 submissions from 2 submitters: Uncertain significance (1); Likely benign (1). Last evaluated 2025-08-25.

Conditions:
Cardiovascular phenotype. Identifiers: MedGen CN230736.
Familial hypobetalipoproteinemia 1. Also called: Hypobetalipoproteinemia, normotriglyceridemic; Acanthocytosis with hypobetalipoproteinemia; APOB-Related Familial Hypobetalipoproteinemia. Identifiers: MedGen C4551990, MONDO:0014252, OMIM 615558.
Hypercholesterolemia, autosomal dominant, type B (FHCL2). Also called: Familial Hypercholesterolemia Type B; HYPERCHOLESTEROLEMIA, FAMILIAL, DUE TO LIGAND-DEFECTIVE APOLIPOPROTEIN B; Familial hypercholesterolemia 2; APOB-Related Familial Hypercholesterolemia, Autosomal Dominant; APOLIPOPROTEIN B-100, FAMILIAL DEFECTIVE; APOLIPOPROTEIN B-100, FAMILIAL LIGAND-DEFECTIVE. Identifiers: MedGen C1704417, MONDO:0007751, OMIM 144010.

Allele frequency attached by ClinVar (database versions not stated): gnomAD exomes 0.00001 and 0.00002; TOPMed 0.00001; gnomAD 0.00002; ExAC 0.00003.
gnomAD v4.1: 10 of 1,610,830 alleles (0.00062%); highest among the groups gnomAD compares: East Asian, 0.022%; no homozygotes.

Submissions (2):

Labcorp Genetics (formerly Invitae), Labcorp
Classification: Likely benign for Familial hypobetalipoproteinemia 1; Hypercholesterolemia, autosomal dominant, type B. Last evaluated: 2025-08-25. Review status: criteria provided, single submitter. Criteria: Invitae Variant Classification Sherloc (09022015). Collection method: clinical testing. Allele origin: germline.

Ambry Genetics
Classification: Uncertain significance for Cardiovascular phenotype. Last evaluated: 2024-11-13. Review status: criteria provided, single submitter. Criteria: Ambry Variant Classification Scheme 2023. Collection method: clinical testing. Allele origin: germline.
Comment: The p.Q2134R variant (also known as c.6401A>G), located in coding exon 26 of the APOB gene, results from an A to G substitution at nucleotide position 6401. The glutamine at codon 2134 is replaced by arginine, an amino acid with highly similar properties. This amino acid position is conserved. In addition, this alteration is predicted to be tolerated by in silico analysis. Based on the available evidence, the clinical significance of this variant remains unclear.

NM_000384.3(APOB):c.6401A>G (p.Gln2134Arg)

Gene: APOB (apolipoprotein B; minus strand). Cytogenetic location: 2p24.1.
Variant type: single nucleotide variant.
Coding change: c.6401A>G on transcript NM_000384.3 (MANE Select); coding-DNA position 6401, A replaced by G.
Protein change: p.Gln2134Arg; replaces glutamine 2134 with arginine.
Molecular consequence: missense variant.
Genome position (GRCh38, 1-based): chr2:21,010,467, T>C on the plus strand (A>G on the coding strand, the complement: APOB is on the minus strand). VCF-style: chr2-21010467-T-C. GRCh37 (hg19) VCF-style: chr2-21233339-T-C.
Other names: short protein forms Q2134R.
Identifiers: ClinVar variation 927951 (VCV000927951.8), dbSNP rs779270984, ClinGen allele CA063155.